The following continues an entry in ClinVar:

NM_000540.3(RYR1):c.14693T>C (p.Ile4898Thr)

Gene: RYR1. ClinVar aggregate classification (germline): Uncertain significance; drug response. Uncertain significance (1).

Submissions 11 to 23 of 23:

3billion
Classification: Pathogenic for Central core myopathy. Last evaluated: 2025-09-22. Review status: criteria provided, single submitter. Criteria: ACMG Guidelines, 2015. Collection method: clinical testing. Allele origin: germline. Affected: yes. Not counted in ClinVar's aggregate classification.
Comment: The variant is observed at an extremely low frequency in the gnomAD v4.1.0 dataset (total allele frequency: <0.001%). Predicted Consequence/Location: Missense variant Functional studies provide supporting evidence of the variant having a damaging effect on the gene or gene product (PMID: 10097181, 11741831). In silico tool predictions suggest damaging effect of the variant on gene or gene product [REVEL: 0.95 (>=0.6, sensitivity 0.68 and specificity 0.92); 3Cnet: 0.99 (> 0.75, sensitivity 0.96 and precision 0.92)]. The same nucleotide change resulting in the same amino acid change has been previously reported as pathogenic/likely pathogenic with strong evidence (ClinVar ID: VCV000012975 /PMID: 10097181 /3billion dataset). The variant has been previously reported as assumed (i.e. paternity and maternity not confirmed) de novo in at least one similarly affected unrelated individual (PMID: 20888934). Therefore, this variant is classified as Pathogenic according to the recommendation of ACMG/AMP guideline.

Revvity Omics, Revvity
Classification: Pathogenic. Last evaluated: 2025-07-23. Review status: criteria provided, single submitter. Criteria: ACMG Guidelines, 2015. Collection method: clinical testing. Allele origin: germline. Not counted in ClinVar's aggregate classification.

Clinical Omics and Informatics (COIN) Unit, Neuroscience Institute, University Of Cape Town
Classification: Likely pathogenic for RYR1-related myopathy. Last evaluated: 2025-02-10. Review status: criteria provided, single submitter. Criteria: ACMG Guidelines, 2015. Collection method: research. Allele origin: germline. Inheritance: Autosomal dominant inheritance. Affected: yes. Observed: 1 variant allele, 1 heterozygote. Not counted in ClinVar's aggregate classification.
Comment: This variant is absent from gnomAD v4 (adequate coverage >20X confirmed) and an internal database of 1074 control alleles. PP2 Not Met: missense Z-score is 1.918. PP3_Strong: REVEL score is 0.943. PM1 Met: variant occurs in exon 102 which is in a C-terminal hotspot region where other pathogenic variants are found (between codons 4136 and 4973, exons 85-104) (PMID 18564801). PM5 Met: NM_000540.3(RYR1):c.14693T>C (p.Ile4898Thr) classified as pathogenic (ClinVar VCV000012975.41). PS4_Supporting: heterozygous observation of variant in 1 proband with relevant phenotype (SCV000852451.1).

Blueprint Genetics
Classification: Pathogenic for RYR1-related disorders. Last evaluated: 2024-07-04. Review status: criteria provided, single submitter. Criteria: ACMG Guidelines, 2015. Collection method: clinical testing. Allele origin: germline. Affected: yes. Observed: 1 variant allele. Not counted in ClinVar's aggregate classification.

Broad Center for Mendelian Genomics, Broad Institute of MIT and Harvard
Classification: Pathogenic for Congenital myopathy. Last evaluated: 2024-06-19. Review status: criteria provided, single submitter. Criteria: ACMG Guidelines, 2015. Collection method: curation. Allele origin: germline. Inheritance: Autosomal dominant inheritance. Study: GREGoR Consortium. Not counted in ClinVar's aggregate classification.
Comment: The p.Ile4898Thr variant in RYR1 has been reported in at least 7 families with congenital myopathy, segregated with disease in 26 affected relatives from 2 families (PMID: 10097181, PMID: 11741831), and has been identified in 0.00008% (1/1179980) of European (non-Finnish) chromosomes by the Genome Aggregation Database (gnomAD; dbSNP ID: rs118192170). Although this variant has been seen in the general population in a heterozygous state, its frequency is not high enough to rule out a pathogenic role. This variant has also been reported in ClinVar (Variation ID: 12975) and has been interpreted as pathogenic by multiple submitters for congenital myopathy, and as a variant of uncertain significance by the ClinGen Malignant Hyperthermia Susceptibility Variant Curation Expert Panel. This variant was found to be de novo in monozygotic twins with confirmed paternity and maternity (PMID: 20888934). The number of reported affected individuals with this variant is greater than expected compared to non-affected individuals with this variant. In vitro functional studies provide some evidence that the p.Ile4898Thr variant may slightly impact protein function (PMID: 10097181, 11741831). However, these types of assays may not accurately represent biological function. Computational prediction tools and conservation analyses suggest that this variant may impact the protein, though this information is not predictive enough to determine pathogenicity. The number of missense variants reported in RYR1 in the general population is lower than expected, suggesting there is little benign variation in this gene and slightly increasing the possibility that a missense variant in this gene may not be tolerated. In summary, this variant meets criteria to be classified as pathogenic for autosomal dominant congenital myopathy. ACMG/AMP Criteria applied: PP1_strong, PP3_moderate, PS4_moderate, PP2, PM2_supporting PS2_supporting, PS3_supporting (Richards 2015).

GeneDx
Classification: Pathogenic. Last evaluated: 2024-04-30. Review status: criteria provided, single submitter. Criteria: GeneDx Variant Classification Process June 2021. Collection method: clinical testing. Allele origin: germline. Affected: yes. Not counted in ClinVar's aggregate classification.
Comment: Published functional studies demonstrate a damaging effect as this variant results in altered calcium conductance, with little to no calcium release, reduced luminal calcium storage, and increased cytoplasmic calcium levels (PMID: 10097181); Mouse model study demonstrates I4898T results in absent voltage-induced calcium release (PMID: 22203976); Not observed at significant frequency in large population cohorts (gnomAD); In silico analysis supports that this missense variant has a deleterious effect on protein structure/function; This variant is associated with the following publications: (PMID: 15175001, 15299003, 21825032, 29629541, 16084090, 32403337, 20961389, 20461000, 12642598, 11274444, 12161072, 25084811, 27363342, 11741831, 11709545, 24561095, 35428369, 32721234, 18003898, 33458582, 32140910, 34008892, 25214167, 35693006, 20681998, 33767344, 19959667, 32528171, 33333461, 20888934, 22203976, 10097181)

Institute of Human Genetics, University of Leipzig Medical Center
Classification: Pathogenic for Central core myopathy. Last evaluated: 2018-11-13. Review status: criteria provided, single submitter. Criteria: ACMG Guidelines, 2015. Collection method: clinical testing. Allele origin: germline. Affected: yes. Observed: 1 variant allele. Not counted in ClinVar's aggregate classification.

Fulgent Genetics
Classification: Pathogenic for Central core myopathy; Malignant hyperthermia, susceptibility to, 1; Congenital myopathy 4A, autosomal dominant; Congenital multicore myopathy with external ophthalmoplegia. Last evaluated: 2018-10-31. Review status: criteria provided, single submitter. Criteria: ACMG Guidelines, 2015. Collection method: clinical testing. Allele origin: unknown. Not counted in ClinVar's aggregate classification.

Laboratory of Medical Genetics, National & Kapodistrian University of Athens
Classification: Likely pathogenic for Malignant hyperthermia, susceptibility to, 1. Last evaluated: 2018-09-27. Review status: criteria provided, single submitter. Criteria: ACMG Guidelines, 2015. Collection method: clinical testing. Allele origin: germline. Affected: yes. Not counted in ClinVar's aggregate classification.
Comment: PM1, PM2, PP3, PP4, PP5

HudsonAlpha Institute for Biotechnology
Classification: Pathogenic for Central core myopathy. Last evaluated: 2017-10-12. Review status: criteria provided, single submitter. Criteria: HA_assertions_20161101. Collection method: research. Allele origin: de novo. Affected: yes. Observed: 1 variant allele. Study: CSER-HudsonAlpha. Not counted in ClinVar's aggregate classification.

PreventionGenetics, part of Exact Sciences
Classification: Pathogenic. Last evaluated: 2016-08-15. Review status: criteria provided, single submitter. Criteria: ACMG Guidelines, 2015. Collection method: clinical testing. Allele origin: germline. Not counted in ClinVar's aggregate classification.

OMIM
Classification: risk factor for CONGENITAL MYOPATHY 1A, AUTOSOMAL DOMINANT, WITH SUSCEPTIBILITY TO MALIGNANT HYPERTHERMIA. Last evaluated: 2001-12-01. Review status: no assertion criteria provided. Collection method: literature only. Allele origin: germline. Not counted in ClinVar's aggregate classification.

RYR1 database
No classification provided. Review status: no classification provided. Collection method: not provided. Allele origin: unknown. Not counted in ClinVar's aggregate classification.

Literature cited by the submitters: PubMed 10097181 (cited by 4 submitters); PubMed 17081152 (cited by ClinPGx); PubMed 25989378 (cited by ClinPGx); PubMed 11709545 (cited by Labcorp Genetics (formerly Invitae), Labcorp and OMIM); PubMed 11741831 (cited by 3 submitters); PubMed 20888934 (cited by Labcorp Genetics (formerly Invitae), Labcorp and 3billion); PubMed 24561095 (cited by Labcorp Genetics (formerly Invitae), Labcorp); PubMed 25084811 (cited by Labcorp Genetics (formerly Invitae), Labcorp); PubMed 12642598 (cited by Labcorp Genetics (formerly Invitae), Labcorp); PubMed 15175001 (cited by Labcorp Genetics (formerly Invitae), Labcorp); PubMed 21825032 (cited by Labcorp Genetics (formerly Invitae), Labcorp); PubMed 22203976 (cited by Labcorp Genetics (formerly Invitae), Labcorp); PubMed 37712079 (cited by Clinical Omics and Informatics (COIN) Unit, Neuroscience Institute, University Of Cape Town); PubMed 18564801 (cited by Clinical Omics and Informatics (COIN) Unit, Neuroscience Institute, University Of Cape Town); PubMed 11274444 (cited by OMIM).